The following is an entry in ClinVar:

ClinVar aggregate classification (germline): Uncertain significance (1 of 4 stars; one submission).

Conditions:
Cardiovascular phenotype. Identifiers: MedGen CN230736.

Submission:

Ambry Genetics
Classification: Uncertain significance for Cardiovascular phenotype. Last evaluated: 2023-09-18. Review status: criteria provided, single submitter. Criteria: Ambry Variant Classification Scheme 2023. Collection method: clinical testing. Allele origin: germline.
Comment: The p.T621I variant (also known as c.1862C>T), located in coding exon 14 of the DSP gene, results from a C to T substitution at nucleotide position 1862. The threonine at codon 621 is replaced by isoleucine, an amino acid with similar properties. This amino acid position is conserved. In addition, the in silico prediction for this alteration is inconclusive. Since supporting evidence is limited at this time, the clinical significance of this alteration remains unclear.

NM_004415.4(DSP):c.1862C>T (p.Thr621Ile)

Gene: DSP (desmoplakin; plus strand). Cytogenetic location: 6p24.3.
Variant type: single nucleotide variant.
Coding change: c.1862C>T on transcript NM_004415.4 (MANE Select); coding-DNA position 1862, C replaced by T.
Protein change: p.Thr621Ile; replaces threonine 621 with isoleucine.
Molecular consequence: missense variant.
Genome position (GRCh38, 1-based): chr6:7,571,543, C>T. VCF-style: chr6-7571543-C-T. GRCh37 (hg19) VCF-style: chr6-7571776-C-T.
Other names: c.1862C>T, p.Thr621Ile (NM_001008844.3, NM_001319034.2); short protein forms T621I.
Identifiers: ClinVar variation 3224217 (VCV003224217.1), dbSNP rs2533894509, ClinGen allele CA362679626.